The following is an entry in ClinVar:

NM_024675.4(PALB2):c.2583A>G (p.Leu861=)

Gene: PALB2 (partner and localizer of BRCA2; minus strand). Cytogenetic location: 16p12.2.
Variant type: single nucleotide variant.
Coding change: c.2583A>G on transcript NM_024675.4 (MANE Select); coding-DNA position 2583, A replaced by G.
Protein change: p.Leu861=; no amino-acid change (leucine 861 retained).
Molecular consequence: synonymous variant. On other transcripts: intron variant (1).
Genome position (GRCh38, 1-based): chr16:23,629,207, T>C on the plus strand (A>G on the coding strand, the complement: PALB2 is on the minus strand). VCF-style: chr16-23629207-T-C. GRCh37 (hg19) VCF-style: chr16-23640528-T-C.
Other names: c.2523A>G, p.Leu841= (NM_001407296.1); c.2583A>G, p.Leu861= (NM_001407298.1, NM_001407299.1, NM_001407300.1 and 2 more transcripts); c.1698A>G, p.Leu566= (NM_001407304.1, NM_001407305.1, NM_001407306.1 and 5 more transcripts); c.795A>G, p.Leu265= (NM_001407312.1, NM_001407313.1); c.117A>G, p.Leu39= (NM_001407314.1); c.2514+433A>G (NM_001407297.1).
Identifiers: ClinVar variation 3903764 (VCV003903764.2).

ClinVar aggregate classification (germline): Benign/Likely benign. Review status: criteria provided, multiple submitters, no conflicts (2 of 4 stars). 2 submissions from 2 submitters: Benign (1); Likely benign (1). Last evaluated 2026-02-08.

Conditions:
Familial cancer of breast. Also called: BREAST CANCER, FAMILIAL; Hereditary breast cancer; hereditary breast carcinoma. Identifiers: Orphanet 227535, MedGen C0346153, MONDO:0016419, OMIM 114480. Disease mechanism: loss of function.
Hereditary cancer-predisposing syndrome. Also called: Neoplastic Syndromes, Hereditary; Tumor predisposition; Hereditary neoplastic syndrome; Hereditary Cancer Syndrome. Identifiers: Orphanet 140162, MedGen C0027672, MeSH D009386, MONDO:0015356.

Submissions (2):

Ambry Genetics
Classification: Likely benign for Hereditary cancer-predisposing syndrome. Last evaluated: 2026-02-08. Review status: criteria provided, single submitter. Criteria: Ambry Variant Classification Scheme 2023. Collection method: clinical testing. Allele origin: germline.

Myriad Genetics, Inc.
Classification: Benign for Familial cancer of breast. Last evaluated: 2025-01-16. Review status: criteria provided, single submitter. Criteria: Myriad Autosomal Dominant, Autosomal Recessive and X-Linked Classification Criteria (2023). Collection method: clinical testing. Allele origin: unknown.
Comment: This variant is considered benign. This variant is a silent/synonymous amino acid change and it is not expected to impact splicing.